The following is an entry in ClinVar:

ClinVar aggregate classification (germline): Likely benign (0 of 4 stars; one submission).

Conditions:
SDK2-related disorder. Also called: SDK2-related condition.

Allele frequency attached by ClinVar (database versions not stated): TOPMed 0.00001; gnomAD 0.00002.
gnomAD v4.1: 62 of 1,550,372 alleles (0.004%); highest among the groups gnomAD compares: Non-Finnish European, 0.0053%; no homozygotes.

Submission:

PreventionGenetics, part of Exact Sciences
Classification: Likely benign for SDK2-related condition. Last evaluated: 2019-05-31. Review status: no assertion criteria provided. Collection method: clinical testing. Allele origin: germline.
Comment: This variant is classified as likely benign based on ACMG/AMP sequence variant interpretation guidelines (Richards et al. 2015 PMID: 25741868, with internal and published modifications).

NM_001144952.2(SDK2):c.729C>G (p.Pro243=)

Gene: SDK2 (sidekick cell adhesion molecule 2; minus strand). Cytogenetic location: 17q25.1.
Variant type: single nucleotide variant.
Coding change: c.729C>G on transcript NM_001144952.2 (MANE Select); coding-DNA position 729, C replaced by G.
Protein change: p.Pro243=; no amino-acid change (proline 243 retained).
Molecular consequence: synonymous variant.
Genome position (GRCh38, 1-based): chr17:73,438,151, G>C on the plus strand (C>G on the coding strand, the complement: SDK2 is on the minus strand). VCF-style: chr17-73438151-G-C. GRCh37 (hg19) VCF-style: chr17-71434290-G-C.
Identifiers: ClinVar variation 3044388 (VCV003044388.2), dbSNP rs769788820, ClinGen allele CA293784484.